The following is an entry in ClinVar:

NM_002693.3(POLG):c.814T>A (p.Ser272Thr)

Gene: POLG (DNA polymerase gamma, catalytic subunit; minus strand). Cytogenetic location: 15q26.1.
Variant type: single nucleotide variant.
Coding change: c.814T>A on transcript NM_002693.3 (MANE Select); coding-DNA position 814, T replaced by A.
Protein change: p.Ser272Thr; replaces serine 272 with threonine.
Molecular consequence: missense variant.
Genome position (GRCh38, 1-based): chr15:89,330,122, A>T on the plus strand (T>A on the coding strand, the complement: POLG is on the minus strand). VCF-style: chr15-89330122-A-T. GRCh37 (hg19) VCF-style: chr15-89873353-A-T.
Other names: c.814T>A, p.Ser272Thr (NM_001126131.2); short protein forms S272T.
Identifiers: ClinVar variation 658758 (VCV000658758.9), dbSNP rs1567192772, ClinGen allele CA393766715.
Genomic context (GRCh38, chr15:89,330,122, plus strand): 5'-TTGGCCCCAGGAACCTTACCTGGATCAGGTACTGCTCCCTGATATGAGCTCGGTCAAAGG[A>T]AACATTGTGCCCCACCACTAACTGCTCCTGCCAGTCTCTCTGGGTGGGGCTGCTGGCACC-3'
Protein context (NP_002684.1, residues 262-282): QEQLVVGHNV[Ser272Thr]FDRAHIREQY

ClinVar aggregate classification (germline): Uncertain significance (1 of 4 stars; one submission).

Conditions:
Progressive sclerosing poliodystrophy (MTDPS4A). Also called: ALPERS PROGRESSIVE INFANTILE POLIODYSTROPHY; ALPERS DIFFUSE DEGENERATION OF CEREBRAL GRAY MATTER WITH HEPATIC CIRRHOSIS; Alpers-Huttenlocher Syndrome; Mitochondrial DNA depletion syndrome 4A (Alpers type); Alpers-Huttenlocher Syndrome (AHS); NEURONAL DEGENERATION OF CHILDHOOD WITH LIVER DISEASE, PROGRESSIVE. Identifiers: Orphanet 726, MedGen C0205710, MONDO:0008758, OMIM 203700.

Submission:

Labcorp Genetics (formerly Invitae), Labcorp
Classification: Uncertain significance for Progressive sclerosing poliodystrophy. Last evaluated: 2018-10-18. Review status: criteria provided, single submitter. Criteria: Invitae Variant Classification Sherloc (09022015). Collection method: clinical testing. Allele origin: germline.
Comment: This variant has not been reported in the literature in individuals with POLG-related disease. This variant is not present in population databases (ExAC no frequency). This sequence change replaces serine with threonine at codon 272 of the POLG protein (p.Ser272Thr). The serine residue is moderately conserved and there is a small physicochemical difference between serine and threonine. Algorithms developed to predict the effect of missense changes on protein structure and function (SIFT, PolyPhen-2, Align-GVGD) all suggest that this variant is likely to be tolerated, but these predictions have not been confirmed by published functional studies and their clinical significance is uncertain. In summary, the available evidence is currently insufficient to determine the role of this variant in disease. Therefore, it has been classified as a Variant of Uncertain Significance.